The following is an entry in ClinVar:

NM_015450.3(POT1):c.525C>T (p.Asp175=)

Gene: POT1 (protection of telomeres 1; minus strand). Cytogenetic location: 7q31.33.
Variant type: single nucleotide variant.
Coding change: c.525C>T on transcript NM_015450.3 (MANE Select); coding-DNA position 525, C replaced by T.
Protein change: p.Asp175=; no amino-acid change (aspartic acid 175 retained).
Molecular consequence: synonymous variant. On other transcripts: non-coding transcript variant (3).
Genome position (GRCh38, 1-based): chr7:124,863,371, G>A on the plus strand (C>T on the coding strand, the complement: POT1 is on the minus strand). VCF-style: chr7-124863371-G-A. GRCh37 (hg19) VCF-style: chr7-124503425-G-A.
Other names: c.132C>T, p.Asp44= (NM_001042594.2).
Identifiers: ClinVar variation 705354 (VCV000705354.18), dbSNP rs761930094, ClinGen allele CA4465443.

ClinVar aggregate classification (germline): Likely benign. Review status: criteria provided, multiple submitters, no conflicts (2 of 4 stars). 5 submissions from 5 submitters: Likely benign (5). Last evaluated 2026-04-07.

Conditions:
Hereditary cancer-predisposing syndrome. Also called: Neoplastic Syndromes, Hereditary; Tumor predisposition; Hereditary Cancer Syndrome; Hereditary neoplastic syndrome. Identifiers: Orphanet 140162, MedGen C0027672, MeSH D009386, MONDO:0015356.
POT1-related disorder. Also called: POT1-related condition.
Tumor predisposition syndrome 3 (TPDS3). Also called: Glioma susceptibility 9; LONG TELOMERE SYNDROME, POT1-RELATED; POT1 Tumor Predisposition; Melanoma, cutaneous malignant, susceptibility to, 10. Identifiers: Orphanet 618, MedGen C4014476, MONDO:0014368, OMIM 615848.

Allele frequency attached by ClinVar (database versions not stated): gnomAD exomes 0.00001 and 0.00002; gnomAD 0.00002 and 0.00003; TOPMed 0.00002; ExAC 0.00003.
gnomAD v4.1: 19 of 1,613,020 alleles (0.0012%); highest among the groups gnomAD compares: East Asian, 0.0089%; no homozygotes.

Submissions (5):

PreventionGenetics, part of Exact Sciences
Classification: Likely benign for POT1-related condition. Last evaluated: 2026-04-07. Review status: criteria provided, single submitter. Criteria: ACMG Guidelines, 2015. Collection method: clinical testing. Allele origin: germline.
Comment: This variant is classified as likely benign based on ACMG/AMP sequence variant interpretation guidelines (Richards et al. 2015 PMID: 25741868, with internal and published modifications).

Labcorp Genetics (formerly Invitae), Labcorp
Classification: Likely benign for Tumor predisposition syndrome 3. Last evaluated: 2025-10-16. Review status: criteria provided, single submitter. Criteria: Invitae Variant Classification Sherloc (09022015). Collection method: clinical testing. Allele origin: germline.

Blueprint Genetics
Classification: Likely benign. Last evaluated: 2022-12-21. Review status: criteria provided, single submitter. Criteria: ACMG Guidelines, 2015. Collection method: clinical testing. Allele origin: germline.

Quest Diagnostics Nichols Institute San Juan Capistrano
Classification: Likely benign. Last evaluated: 2021-07-13. Review status: criteria provided, single submitter. Criteria: Quest Diagnostics criteria. Collection method: clinical testing. Allele origin: unknown.

Ambry Genetics
Classification: Likely benign for Hereditary cancer-predisposing syndrome. Last evaluated: 2019-01-10. Review status: criteria provided, single submitter. Criteria: Ambry Variant Classification Scheme 2023. Collection method: clinical testing. Allele origin: germline.